The following is an entry in ClinVar:

ClinVar aggregate classification (germline): Conflicting classifications of pathogenicity. Review status: criteria provided, conflicting classifications (1 of 4 stars). 13 submissions from 12 submitters: Uncertain significance (2); Benign (1); Likely benign (6). 4 of the submissions do not count toward it. Last evaluated 2026-02-01.

Conditions:
RYR2-related disorder. Also called: RYR2-related condition.
Catecholaminergic polymorphic ventricular tachycardia (CVPT). Also called: Catecholamine-induced polymorphic ventricular tachycardia. Identifiers: Orphanet 3286, MedGen C5574922, MONDO:0017990.
Cardiomyopathy (CMYO). Also called: Cardiomyopathies. Identifiers: Orphanet 167848, MedGen C0878544, MONDO:0004994, HP:0001638. Inheritance: Various modes of inheritance.
Catecholaminergic polymorphic ventricular tachycardia 1. Also called: VENTRICULAR TACHYCARDIA, CATECHOLAMINERGIC POLYMORPHIC, 1, WITH OR WITHOUT ATRIAL DYSFUNCTION AND/OR DILATED CARDIOMYOPATHY; RYR2-Related Catecholaminergic Polymorphic Ventricular Tachycardia; VENTRICULAR TACHYCARDIA, STRESS-INDUCED POLYMORPHIC 1. Identifiers: Orphanet 3286, MedGen C1631597, MONDO:0011484, OMIM 604772.
Cardiovascular phenotype. Identifiers: MedGen CN230736.
Arrhythmogenic right ventricular dysplasia 2. Identifiers: MedGen C1832931.

Allele frequency attached by ClinVar (database versions not stated): gnomAD 0.00006; gnomAD exomes 0.00007; TOPMed 0.00012; ExAC 0.00015.
gnomAD v4.1: 250 of 1,567,634 alleles (0.016%); highest among the groups gnomAD compares: Non-Finnish European, 0.021%; no homozygotes.

Submissions (13):

Labcorp Genetics (formerly Invitae), Labcorp
Classification: Likely benign for Catecholaminergic polymorphic ventricular tachycardia 1. Last evaluated: 2026-02-01. Review status: criteria provided, single submitter. Criteria: Invitae Variant Classification Sherloc (09022015). Collection method: clinical testing. Allele origin: germline.

Blueprint Genetics
Classification: Likely benign. Last evaluated: 2024-08-30. Review status: criteria provided, single submitter. Criteria: ACMG Guidelines, 2015. Collection method: clinical testing. Allele origin: germline.

All of Us Research Program, National Institutes of Health
Classification: Likely benign for Catecholaminergic polymorphic ventricular tachycardia. Last evaluated: 2023-12-18. Review status: criteria provided, single submitter. Criteria: ACMG Guidelines, 2015. Collection method: clinical testing. Allele origin: germline. Inheritance: Autosomal dominant inheritance. Observed: 31 variant alleles, 31 heterozygotes.
Comment: This study involves interpretation of variants in research participants for the purpose of population health screening. Participant phenotype was not available at the time of variant classification. Additional details can be found in publication PMID: 35346344, PMCID: PMC8962531

Women's Health and Genetics/Laboratory Corporation of America, LabCorp
Classification: Benign. Last evaluated: 2023-03-06. Review status: criteria provided, single submitter. Criteria: LabCorp Variant Classification Summary - May 2015. Collection method: clinical testing. Allele origin: germline.

Color Diagnostics, LLC DBA Color Health
Classification: Likely benign for Cardiomyopathy. Last evaluated: 2018-12-16. Review status: criteria provided, single submitter. Criteria: ACMG Guidelines, 2015. Collection method: clinical testing. Allele origin: germline.

Illumina Laboratory Services, Illumina
Classification: Uncertain significance for Catecholaminergic polymorphic ventricular tachycardia 1. Last evaluated: 2018-01-13. Review status: criteria provided, single submitter. Criteria: ICSL Variant Classification Criteria 13 December 2019. Collection method: clinical testing. Allele origin: germline.

Illumina Laboratory Services, Illumina
Classification: Uncertain significance for Catecholaminergic polymorphic ventricular tachycardia 1. Last evaluated: 2018-01-13. Review status: criteria provided, single submitter. Criteria: ICSL Variant Classification Criteria 13 December 2019. Collection method: clinical testing. Allele origin: germline.

Ambry Genetics
Classification: Likely benign for Cardiovascular phenotype. Last evaluated: 2017-03-22. Review status: criteria provided, single submitter. Criteria: Ambry Variant Classification Scheme 2023. Collection method: clinical testing. Allele origin: germline.

GeneDx
Classification: Likely benign. Last evaluated: 2016-06-08. Review status: criteria provided, single submitter. Criteria: GeneDx Variant Classification (06012015). Collection method: clinical testing. Allele origin: germline. Affected: yes.
Comment: This variant is considered likely benign or benign based on one or more of the following criteria: it is a conservative change, it occurs at a poorly conserved position in the protein, it is predicted to be benign by multiple in silico algorithms, and/or has population frequency not consistent with disease.

PreventionGenetics, part of Exact Sciences
Classification: Likely benign for RYR2-related condition. Last evaluated: 2024-08-05. Review status: no assertion criteria provided. Collection method: clinical testing. Allele origin: germline. Not counted in ClinVar's aggregate classification.
Comment: This variant is classified as likely benign based on ACMG/AMP sequence variant interpretation guidelines (Richards et al. 2015 PMID: 25741868, with internal and published modifications).

Clinical Genetics DNA and cytogenetics Diagnostics Lab, Erasmus MC, Erasmus Medical Center
Classification: Likely benign. Review status: no assertion criteria provided. Collection method: clinical testing. Allele origin: germline. Affected: yes. Study: VKGL Data-share Consensus. Not counted in ClinVar's aggregate classification.

Clinical Genetics, Academic Medical Center
Classification: Benign. Review status: no assertion criteria provided. Collection method: clinical testing. Allele origin: germline. Affected: yes. Study: VKGL Data-share Consensus. Not counted in ClinVar's aggregate classification.

Joint Genome Diagnostic Labs from Nijmegen and Maastricht, Radboudumc and MUMC+
Classification: Likely benign. Review status: no assertion criteria provided. Collection method: clinical testing. Allele origin: germline. Affected: yes. Study: VKGL Data-share Consensus. Not counted in ClinVar's aggregate classification.

NM_001035.3(RYR2):c.2772G>A (p.Leu924=)

Gene: RYR2 (ryanodine receptor 2; plus strand). Cytogenetic location: 1q43.
Variant type: single nucleotide variant.
Coding change: c.2772G>A on transcript NM_001035.3 (MANE Select); coding-DNA position 2772, G replaced by A.
Protein change: p.Leu924=; no amino-acid change (leucine 924 retained).
Molecular consequence: synonymous variant.
Genome position (GRCh38, 1-based): chr1:237,511,741, G>A. VCF-style: chr1-237511741-G-A. GRCh37 (hg19) VCF-style: chr1-237675041-G-A.
Other names: c.2772G>A, p.Leu924= (LRG_402t1).
Identifiers: ClinVar variation 296716 (VCV000296716.32), dbSNP rs780664060, ClinGen allele CA086195.
Genomic context (GRCh38, chr1:237,511,741, plus strand): 5'-GTTTCAGGTTAGAGATGACAACAAGAGACAACACCCATGCCTGGTGGAGTTCTCCAAGCT[G>A]CCTGAACAGGAGCGCAATTACAACTTACAAATGTCGCTTGAGACCCTGAAGTGAGTTTCT-3'
Protein context (NP_001026.2, residues 914-934): QHPCLVEFSK[Leu924=]PEQERNYNLQ